The following is an entry in ClinVar:

ClinVar aggregate classification (germline): Uncertain significance (1 of 4 stars; one submission).

Allele frequency attached by ClinVar (database versions not stated): gnomAD 0.00001.
gnomAD v4.1: 3 of 1,613,920 alleles (0.00019%); highest among the groups gnomAD compares: Non-Finnish European, 0.00017%; no homozygotes.

Submission:

Labcorp Genetics (formerly Invitae), Labcorp
Classification: Uncertain significance. Last evaluated: 2022-11-10. Review status: criteria provided, single submitter. Criteria: Invitae Variant Classification Sherloc (09022015). Collection method: clinical testing. Allele origin: germline.
Comment: This sequence change replaces glycine, which is neutral and non-polar, with alanine, which is neutral and non-polar, at codon 516 of the ITPR1 protein (p.Gly516Ala). Algorithms developed to predict the effect of missense changes on protein structure and function (SIFT, PolyPhen-2, Align-GVGD) all suggest that this variant is likely to be tolerated. This variant has not been reported in the literature in individuals affected with ITPR1-related conditions. This variant is present in population databases (rs781081369, gnomAD 0.004%). In summary, the available evidence is currently insufficient to determine the role of this variant in disease. Therefore, it has been classified as a Variant of Uncertain Significance.

NM_001378452.1(ITPR1):c.1592G>C (p.Gly531Ala)

Gene: ITPR1 (inositol 1,4,5-trisphosphate receptor type 1; plus strand). Cytogenetic location: 3p26.1.
Variant type: single nucleotide variant.
Coding change: c.1592G>C on transcript NM_001378452.1 (MANE Select); coding-DNA position 1592, G replaced by C.
Protein change: p.Gly531Ala; replaces glycine 531 with alanine.
Molecular consequence: missense variant.
Genome position (GRCh38, 1-based): chr3:4,665,175, G>C. VCF-style: chr3-4665175-G-C. GRCh37 (hg19) VCF-style: chr3-4706859-G-C.
Other names: c.1592G>C, p.Gly531Ala (NM_001099952.4); c.1547G>C, p.Gly516Ala (NM_001168272.2, NM_002222.7); short protein forms G516A, G531A.
Identifiers: ClinVar variation 3007784 (VCV003007784.3), dbSNP rs781081369, ClinGen allele CA2231227.